The following is an entry in ClinVar:

NM_019841.7(TRPV5):c.966C>T (p.Asn322=)

Gene: TRPV5 (transient receptor potential cation channel subfamily V member 5; minus strand). Cytogenetic location: 7q34.
Variant type: single nucleotide variant.
Coding change: c.966C>T on transcript NM_019841.7 (MANE Select); coding-DNA position 966, C replaced by T.
Protein change: p.Asn322=; no amino-acid change (asparagine 322 retained).
Molecular consequence: synonymous variant.
Genome position (GRCh38, 1-based): chr7:142,925,685, G>A on the plus strand (C>T on the coding strand, the complement: TRPV5 is on the minus strand). VCF-style: chr7-142925685-G-A. GRCh37 (hg19) VCF-style: chr7-142622780-G-A.
Identifiers: ClinVar variation 64574 (VCV000064574.2), dbSNP rs387907542, ClinGen allele CA216431.

ClinVar aggregate classification (germline): Uncertain significance (0 of 4 stars; one submission).

Allele frequency attached by ClinVar (database versions not stated): gnomAD exomes below 0.00001; TOPMed below 0.00001; ExAC 0.00001; gnomAD 0.00001.
gnomAD v4.1: 19 of 1,614,066 alleles (0.0012%); highest among the groups gnomAD compares: Non-Finnish European, 0.0014%; no homozygotes.

Submission:

Martin Pollak Laboratory,  Beth Israel Deaconess Medical Center
Classification: Uncertain significance. Review status: no assertion criteria provided. Collection method: not provided. Allele origin: unknown.
Comment: Higher UCa2+ group
ClinVar note: Converted during submission from unknown to Uncertain significance.